The following is an entry in ClinVar:

NC_000008.10:g.(?_30915964)_(30916791_?)del

Gene: WRN (WRN RecQ like helicase; plus strand). Cytogenetic location: 8p12.
Variant type: Deletion.
Identifiers: ClinVar variation 1367375 (VCV001367375.5).

ClinVar aggregate classification (germline): Pathogenic (1 of 4 stars; one submission).

Conditions:
Werner syndrome (WRN). Identifiers: Orphanet 902, MedGen C0043119, MONDO:0010196, OMIM 277700.

Submission:

Labcorp Genetics (formerly Invitae), Labcorp
Classification: Pathogenic for Werner syndrome. Last evaluated: 2023-11-17. Review status: criteria provided, single submitter. Criteria: Invitae Variant Classification Sherloc (09022015). Collection method: clinical testing. Allele origin: germline.
Comment: This variant is a gross deletion of the genomic region encompassing exon(s) 2-3 of the WRN gene, which includes the initiator codon. This deletion extends beyond the assayed region for this gene and therefore may encompass additional genes. It is expected to result in an absent or disrupted protein product. Loss-of-function variants in WRN are known to be pathogenic (PMID: 16673358). This variant has not been reported in the literature in individuals affected with WRN-related conditions. For these reasons, this variant has been classified as Pathogenic.

Literature cited by the submitters: PubMed 16673358.